The following is an entry in ClinVar:

ClinVar aggregate classification (germline): Conflicting classifications of pathogenicity. Review status: criteria provided, conflicting classifications (1 of 4 stars). 14 submissions from 14 submitters: Uncertain significance (11); Likely benign (2). 1 of the submissions does not count toward it. Last evaluated 2026-06-06.

Conditions:
CHEK2-related disorder.
Bone osteosarcoma. Also called: Osteosarcoma, somatic. Identifiers: Orphanet 668, MedGen C0585442, MONDO:0002629, OMIM 259500.
Familial cancer of breast. Also called: hereditary breast carcinoma; BREAST CANCER, FAMILIAL; Hereditary breast cancer. Identifiers: Orphanet 227535, MedGen C0346153, MONDO:0016419, OMIM 114480. Disease mechanism: loss of function.
CHEK2-related cancer predisposition (TPDS4). Also called: CHEK2-related cancer susceptibility; TUMOR PREDISPOSITION SYNDROME 4; CANCER PREDISPOSITION SYNDROME, CHEK2-RELATED. Identifiers: Orphanet 524, MedGen C5882668, MONDO:0700271, OMIM 609265.
Prostate cancer. Also called: Malignant tumor of prostate. Identifiers: Orphanet 1331, MedGen C0376358, MONDO:0008315, HP:0012125.
Hereditary cancer-predisposing syndrome. Also called: Hereditary neoplastic syndrome; Neoplastic Syndromes, Hereditary; Tumor predisposition; Hereditary Cancer Syndrome. Identifiers: Orphanet 140162, MedGen C0027672, MeSH D009386, MONDO:0015356.
Hereditary breast ovarian cancer syndrome. Also called: BRCA1- and BRCA2-Associated Hereditary Breast and Ovarian Cancer; Hereditary breast and ovarian cancer syndrome; Hereditary breast and/or ovarian cancer syndrome; Hereditary breast and ovarian cancer; Hereditary breast and ovarian cancer syndrome (HBOC); Breast and ovarian cancer. Identifiers: Orphanet 145, MedGen C0677776, MeSH D061325, MONDO:0003582. Disease mechanism: loss of function.

Allele frequency attached by ClinVar (database versions not stated): gnomAD 0.00003; TOPMed 0.00005; ExAC 0.00007; gnomAD exomes 0.00008 and 0.00009.
gnomAD v4.1: 128 of 1,613,668 alleles (0.0079%); highest among the groups gnomAD compares: Admixed American, 0.012%; no homozygotes.

Submissions (14):

PreventionGenetics, part of Exact Sciences
Classification: Uncertain significance for CHEK2-related condition. Last evaluated: 2026-06-06. Review status: criteria provided, single submitter. Criteria: ACMG Guidelines, 2015. Collection method: clinical testing. Allele origin: germline.
Comment: The CHEK2 c.1215C>A variant is predicted to result in the amino acid substitution p.Asn405Lys. This variant has been reported in multiple individuals with breast cancer (Brinkman et al. 2006. PubMed ID: 17100999; Decker et al. 2017. PubMed ID: 28779002; Weitzel et al. 2019. PubMed ID: 31206626; Vargas-Parra et al. 2020. PubMed ID: 32906215) or colorectal cancer (DeRycke et al. 2017. PubMed ID: 28944238). However, a yeast-based functional assay found that cells expressing CHEK2 protein with the p.Asn405Lys variant retained a level of DNA repair activity comparable to wild type protein (Delimitsou et al. 2019. PubMed ID: 30851065). This variant is reported in 0.012% of alleles in individuals of European (Non-Finnish) descent in gnomAD and has conflicting interpretations in ClinVar ranging from to likely benign to uncertain (Variation ID: 128050). Although we suspect that this variant may be benign, at this time, the clinical significance of this variant is uncertain due to the absence of conclusive functional and genetic evidence.

Hema, HEMA – Genetic and Molecular Diagnostic Laboratory
Classification: Uncertain significance for CHEK2-related cancer predisposition. Last evaluated: 2026-03-31. Review status: criteria provided, single submitter. Criteria: HEMA Variant Classification Assertion Criteria. Collection method: clinical testing. Allele origin: germline.
Comment: The c.1215C>A variant is a transversion from guanine to thymine, resulting in the substitution of asparagine 405 by lysine. BP4_Strong: The computational metapredictor REVEL score = 0.008999 ≤ 0.016, indicating that the variant would not have an effect on the CHK2 protein.

Labcorp Genetics (formerly Invitae), Labcorp
Classification: Uncertain significance for Familial cancer of breast. Last evaluated: 2026-01-26. Review status: criteria provided, single submitter. Criteria: Invitae Variant Classification Sherloc (09022015). Collection method: clinical testing. Allele origin: germline.
Comment: This sequence change replaces asparagine, which is neutral and polar, with lysine, which is basic and polar, at codon 405 of the CHEK2 protein (p.Asn405Lys). This variant is present in population databases (rs587780171, gnomAD 0.01%). This missense change has been observed in individual(s) with breast and/or colon cancer (PMID: 17100999, 28779002, 28944238, 31206626, 40283643). ClinVar contains an entry for this variant (Variation ID: 128050). An algorithm developed to predict the effect of missense changes on protein structure and function (PolyPhen-2) suggests that this variant is likely to be tolerated. Experimental studies are conflicting or provide insufficient evidence to determine the effect of this variant on CHEK2 function (PMID: 30851065, 37449874). In summary, the available evidence is currently insufficient to determine the role of this variant in disease. Therefore, it has been classified as a Variant of Uncertain Significance.

Quest Diagnostics Nichols Institute San Juan Capistrano
Classification: Uncertain significance. Last evaluated: 2025-06-18. Review status: criteria provided, single submitter. Criteria: Quest Diagnostics criteria. Collection method: clinical testing. Allele origin: unknown.
Comment: The CHEK2 c.1215C>A (p.Asn405Lys) variant has been reported in the published literature in individuals with breast and/or ovarian cancer (PMIDs: 32906215 (2020), 31206626 (2019), 28779002 (2017), 17100999 (2006)) and individuals with colorectal cancer (PMIDs: 28944238 (2017), 17100999 (2006)). In a large-scale breast cancer association study, this variant has been observed in breast cancer cases as well as reportedly unaffected individuals (PMID: 33471991 (2021), see also LOVD). Assessment of experimental analysis yielded inconclusive results regarding the impact of this variant on protein function (PMIDs: 30851065 (2019), 37449874 (2023)). The frequency of this variant in the general population (Genome Aggregation Database) is uninformative in the assessment of its pathogenicity. Analysis of this variant using bioinformatics tools for the prediction of the effect of amino acid changes on protein structure and function yielded predictions that this variant is benign. Based on the available information, we are unable to determine the clinical significance of this variant.

Ambry Genetics
Classification: Likely benign for Hereditary cancer-predisposing syndrome. Last evaluated: 2024-11-08. Review status: criteria provided, single submitter. Criteria: Ambry Variant Classification Scheme 2023. Collection method: clinical testing. Allele origin: germline.

Blueprint Genetics
Classification: Uncertain significance. Last evaluated: 2024-10-31. Review status: criteria provided, single submitter. Criteria: ACMG Guidelines, 2015. Collection method: clinical testing. Allele origin: germline.

German Consortium for Hereditary Breast and Ovarian Cancer, University Hospital Cologne
Classification: Uncertain significance for Hereditary breast ovarian cancer syndrome. Last evaluated: 2024-07-09. Review status: criteria provided, single submitter. Criteria: ACMG Guidelines, 2015. Collection method: curation. Allele origin: germline.
Comment: According to the ACMG SVI adaptation criteria we chose this criterion: BP4 (strong benign): REVEL (aus Alamut): 0.009 ((0.003, 0.016]) --> BP4_strong (Pejaver et al., 2022) strength?

GeneDx
Classification: Uncertain significance. Last evaluated: 2024-05-17. Review status: criteria provided, single submitter. Criteria: GeneDx Variant Classification Process June 2021. Collection method: clinical testing. Allele origin: germline. Affected: yes.
Comment: Published functional studies demonstrate a growth rate comparable to benign variants in yeast based assays (PMID: 30851065); Observed in individuals with colorectal and/or breast cancer (PMID: 17100999, 28779002, 28944238, 31206626); Not observed at significant frequency in large population cohorts (gnomAD); In silico analysis supports that this missense variant does not alter protein structure/function; This variant is associated with the following publications: (PMID: 17100999, 28944238, 28779002, 32906215, 31206626, 30851065, 22419737, 19782031)

Baylor Genetics
Classification: Uncertain significance for Familial cancer of breast. Last evaluated: 2024-03-06. Review status: criteria provided, single submitter. Criteria: ACMG Guidelines, 2015. Collection method: clinical testing. Allele origin: unknown.

Myriad Genetics, Inc.
Classification: Uncertain significance for Familial cancer of breast. Last evaluated: 2023-03-09. Review status: criteria provided, single submitter. Criteria: Myriad Autosomal Dominant, Autosomal Recessive and X-Linked Classification Criteria (2023). Collection method: clinical testing. Allele origin: unknown.
Comment: This variant is classified as a variant of uncertain significance as there is insufficient evidence to determine its impact on protein function and/or cancer risk.

Department of Pathology and Laboratory Medicine, Sinai Health System
Classification: Uncertain significance for CHEK2-related cancer predisposition. Last evaluated: 2022-07-15. Review status: criteria provided, single submitter. Criteria: ACMG Guidelines, 2015. Collection method: clinical testing. Allele origin: germline. Affected: yes.

Fulgent Genetics
Classification: Uncertain significance for Familial cancer of breast; Familial prostate cancer; Bone osteosarcoma; CHEK2-related cancer predisposition. Last evaluated: 2018-10-31. Review status: criteria provided, single submitter. Criteria: ACMG Guidelines, 2015. Collection method: clinical testing. Allele origin: unknown.

Color Diagnostics, LLC DBA Color Health
Classification: Likely benign for Hereditary cancer-predisposing syndrome. Last evaluated: 2015-12-29. Review status: criteria provided, single submitter. Criteria: ACMG Guidelines, 2015. Collection method: clinical testing. Allele origin: germline.

Counsyl
Classification: Uncertain significance for Familial cancer of breast. Last evaluated: 2017-12-01. Review status: no assertion criteria provided. Collection method: clinical testing. Allele origin: unknown. Not counted in ClinVar's aggregate classification.

Literature cited by the submitters: PubMed 17100999 (cited by 5 submitters); PubMed 28779002 (cited by 5 submitters); PubMed 28944238 (cited by 3 submitters); PubMed 31206626 (cited by 3 submitters); PubMed 40283643 (cited by Labcorp Genetics (formerly Invitae), Labcorp); PubMed 30851065 (cited by 4 submitters); PubMed 37449874 (cited by 3 submitters); PubMed 33471991 (cited by Quest Diagnostics Nichols Institute San Juan Capistrano); PubMed 32906215 (cited by Quest Diagnostics Nichols Institute San Juan Capistrano); PubMed 31874108 (cited by Quest Diagnostics Nichols Institute San Juan Capistrano).

NM_007194.4(CHEK2):c.1215C>A (p.Asn405Lys)

Gene: CHEK2 (checkpoint kinase 2; minus strand). Cytogenetic location: 22q12.1.
Variant type: single nucleotide variant.
Coding change: c.1215C>A on transcript NM_007194.4 (MANE Select); coding-DNA position 1215, C replaced by A.
Protein change: p.Asn405Lys; replaces asparagine 405 with lysine.
Molecular consequence: missense variant.
Genome position (GRCh38, 1-based): chr22:28,695,754, G>T on the plus strand (C>A on the coding strand, the complement: CHEK2 is on the minus strand). VCF-style: chr22-28695754-G-T. GRCh37 (hg19) VCF-style: chr22-29091742-G-T.
Other names: p.N405K:AAC>AAA; c.1344C>A, p.Asn448Lys (NM_001005735.3); c.552C>A, p.Asn184Lys (NM_001257387.3); c.1014C>A, p.Asn338Lys (NM_001349956.3); c.1128C>A, p.Asn376Lys (NM_145862.3); short protein forms N405K, N338K, N376K, N184K, N448K.
Identifiers: ClinVar variation 128050 (VCV000128050.39), dbSNP rs587780171, ClinGen allele CA288266.